The following is an entry in ClinVar:

ClinVar aggregate classification (germline): Uncertain significance (1 of 4 stars; one submission).

Allele frequency attached by ClinVar (database versions not stated): gnomAD exomes below 0.00001; ExAC 0.00001.

Submission:

GeneDx
Classification: Uncertain significance. Last evaluated: 2017-03-06. Review status: criteria provided, single submitter. Criteria: GeneDx Variant Classification (06012015). Collection method: clinical testing. Allele origin: germline. Affected: yes.
Comment: The G2299R variant in the FLNC gene has not been reported previously as a pathogenic variant, nor as a benign variant, to our knowledge. The G2299R variant is not observed at a significant frequency in large population cohorts (Lek et al., 2016; 1000 Genomes Consortium et al., 2015; Exome Variant Server). The G2299R variant is a non-conservative amino acid substitution, which is likely to impact secondary protein structure as these residues differ in polarity, charge, size and/or other properties. This substitution occurs at a position that is conserved across species. In silico analysis predicts this variant is probably damaging to the protein structure/function. We interpret G2299R as a variant of uncertain significance.

NM_001458.5(FLNC):c.6895G>C (p.Gly2299Arg)

Genes: FLNC (filamin C; plus strand), FLNC-AS1 (FLNC antisense RNA 1; minus strand). Cytogenetic location: 7q32.1.
Variant type: single nucleotide variant.
Coding change: c.6895G>C on transcript NM_001458.5 (MANE Select); coding-DNA position 6895, G replaced by C.
Protein change: p.Gly2299Arg; replaces glycine 2299 with arginine.
Molecular consequence: missense variant.
Genome position (GRCh38, 1-based): chr7:128,854,580, G>C. VCF-style: chr7-128854580-G-C. GRCh37 (hg19) VCF-style: chr7-128494634-G-C.
Other names: c.6796G>C, p.Gly2266Arg (NM_001127487.2); short protein forms G2299R, G2266R.
Identifiers: ClinVar variation 424003 (VCV000424003.2), dbSNP rs756870838, ClinGen allele CA4476112.